The following is an entry in ClinVar:

ClinVar aggregate classification (germline): Uncertain significance (1 of 4 stars; one submission).

Conditions:
Catecholaminergic polymorphic ventricular tachycardia 1. Also called: VENTRICULAR TACHYCARDIA, STRESS-INDUCED POLYMORPHIC 1; VENTRICULAR TACHYCARDIA, CATECHOLAMINERGIC POLYMORPHIC, 1, WITH OR WITHOUT ATRIAL DYSFUNCTION AND/OR DILATED CARDIOMYOPATHY; RYR2-Related Catecholaminergic Polymorphic Ventricular Tachycardia. Identifiers: Orphanet 3286, MedGen C1631597, MONDO:0011484, OMIM 604772.

Allele frequency attached by ClinVar (database versions not stated): gnomAD 0.00001; TOPMed 0.00001; ESP Exome Variant Server 0.00008.
gnomAD v4.1: 2 of 1,613,270 alleles (0.00012%); highest among the groups gnomAD compares: African/African-American, 0.0027%; no homozygotes.

Submission:

Labcorp Genetics (formerly Invitae), Labcorp
Classification: Uncertain significance for Catecholaminergic polymorphic ventricular tachycardia 1. Last evaluated: 2021-08-31. Review status: criteria provided, single submitter. Criteria: Invitae Variant Classification Sherloc (09022015). Collection method: clinical testing. Allele origin: germline.
Comment: This sequence change replaces glutamine with arginine at codon 2692 of the RYR2 protein (p.Gln2692Arg). The glutamine residue is highly conserved and there is a small physicochemical difference between glutamine and arginine. This variant is not present in population databases (ExAC no frequency). This variant has not been reported in the literature in individuals affected with RYR2-related conditions. Algorithms developed to predict the effect of missense changes on protein structure and function are either unavailable or do not agree on the potential impact of this missense change (SIFT: "Deleterious"; PolyPhen-2: "Benign"; Align-GVGD: "Class C35"). In summary, the available evidence is currently insufficient to determine the role of this variant in disease. Therefore, it has been classified as a Variant of Uncertain Significance.

NM_001035.3(RYR2):c.8075A>G (p.Gln2692Arg)

Gene: RYR2 (ryanodine receptor 2; plus strand). Cytogenetic location: 1q43.
Variant type: single nucleotide variant.
Coding change: c.8075A>G on transcript NM_001035.3 (MANE Select); coding-DNA position 8075, A replaced by G.
Protein change: p.Gln2692Arg; replaces glutamine 2692 with arginine.
Molecular consequence: missense variant.
Genome position (GRCh38, 1-based): chr1:237,655,930, A>G. VCF-style: chr1-237655930-A-G. GRCh37 (hg19) VCF-style: chr1-237819230-A-G.
Other names: short protein forms Q2692R.
Identifiers: ClinVar variation 1055412 (VCV001055412.3), dbSNP rs370072276, ClinGen allele CA39802521.